The following is an entry in ClinVar:

NM_000322.5(PRPH2):c.675T>A (p.Tyr225Ter)

Gene: PRPH2 (peripherin 2; minus strand). Cytogenetic location: 6p21.1.
Variant type: single nucleotide variant.
Coding change: c.675T>A on transcript NM_000322.5 (MANE Select); coding-DNA position 675, T replaced by A.
Protein change: p.Tyr225Ter; replaces tyrosine 225 with a stop codon.
Molecular consequence: nonsense.
Genome position (GRCh38, 1-based): chr6:42,704,518, A>T on the plus strand (T>A on the coding strand, the complement: PRPH2 is on the minus strand). VCF-style: chr6-42704518-A-T. GRCh37 (hg19) VCF-style: chr6-42672256-A-T.
Other names: short protein forms Y225*.
Identifiers: ClinVar variation 973715 (VCV000973715.1), dbSNP rs1800114066, ClinGen allele CA364135386.

ClinVar aggregate classification (germline): Likely pathogenic (1 of 4 stars; one submission).

Conditions:
Retinitis pigmentosa (RP). Identifiers: Orphanet 791, MedGen C0035334, MeSH D012174, MONDO:0019200, OMIM 268000. Inheritance: Autosomal dominant, autosomal recessive and X linked inheritance.

Submission:

NEI Ophthalmic Genomics Laboratory, National Institutes of Health
Classification: Likely pathogenic for Retinitis pigmentosa. Last evaluated: 2020-01-07. Review status: criteria provided, single submitter. Criteria: ACMG Guidelines, 2015. Collection method: clinical testing. Allele origin: germline. Affected: yes.
Comment: The variant NM_000322.4:c.675T>A in the PRPH2 gene has not been reported to our knowledge . This variant is not listed in dbSNP and/or HGMD. It is absent in gnomAD browser. It is not enriched in the PRPH2 disease cohort. We invoked ACMG criteria [PVS1, PM2] and classified NM_000322.4:c.675T>A in the PRPH2 gene as a Likely Pathogenic mutation.